The following is an entry in ClinVar:

NM_019851.3(FGF20):c.97C>T (p.Arg33Trp)

Gene: FGF20 (fibroblast growth factor 20; minus strand). Cytogenetic location: 8p22.
Variant type: single nucleotide variant.
Coding change: c.97C>T on transcript NM_019851.3 (MANE Select); coding-DNA position 97, C replaced by T.
Protein change: p.Arg33Trp; replaces arginine 33 with tryptophan.
Molecular consequence: missense variant.
Genome position (GRCh38, 1-based): chr8:17,001,936, G>A on the plus strand (C>T on the coding strand, the complement: FGF20 is on the minus strand). VCF-style: chr8-17001936-G-A. GRCh37 (hg19) VCF-style: chr8-16859445-G-A.
Other names: short protein forms R33W.
Identifiers: ClinVar variation 4768617 (VCV004768617.1).
Genomic context (GRCh38, chr8:17,001,936, plus strand): 5'-CCGGCCCGCCGCGCGCGCTCCGCTCCGCCGCGCTCCTGCGCTCGCCCAGCAGCGGCGGCC[G>A]CTCCCCGGCAGGAGGCAACAGGAAATGCGAACCCACCTGCTGGCCCAAGCCCTCCAGGCC-3'
Protein context (NP_062825.1, residues 23-43): SHFLLPPAGE[Arg33Trp]PPLLGERRSA

ClinVar aggregate classification (germline): Uncertain significance (1 of 4 stars; one submission).

gnomAD v4.1: 6 of 1,493,808 alleles (0.0004%); highest among the groups gnomAD compares: East Asian, 0.015%; no homozygotes.

Submission:

Labcorp Genetics (formerly Invitae), Labcorp
Classification: Uncertain significance. Last evaluated: 2025-09-21. Review status: criteria provided, single submitter. Criteria: Invitae Variant Classification Sherloc (09022015). Collection method: clinical testing. Allele origin: germline.
Comment: This sequence change replaces arginine, which is basic and polar, with tryptophan, which is neutral and slightly polar, at codon 33 of the FGF20 protein (p.Arg33Trp). The frequency data for this variant in the population databases is considered unreliable, as metrics indicate poor data quality at this position in the gnomAD database. This variant has not been reported in the literature in individuals affected with FGF20-related conditions. An algorithm developed to predict the effect of missense changes on protein structure and function (PolyPhen-2) suggests that this variant is likely to be tolerated. In summary, the available evidence is currently insufficient to determine the role of this variant in disease. Therefore, it has been classified as a Variant of Uncertain Significance.